The following is an entry in ClinVar:

ClinVar aggregate classification (germline): Uncertain significance. Review status: criteria provided, multiple submitters, no conflicts (2 of 4 stars). 2 submissions from 2 submitters: Uncertain significance (2). Last evaluated 2025-08-27.

Conditions:
Inborn genetic diseases. Identifiers: MedGen C0950123, MeSH D030342.

gnomAD v4.1: 6 of 1,612,368 alleles (0.00037%); highest among the groups gnomAD compares: African/African-American, 0.008%; no homozygotes.

Submissions (2):

Ambry Genetics
Classification: Uncertain significance for Inborn genetic diseases. Last evaluated: 2025-08-27. Review status: criteria provided, single submitter. Criteria: Ambry Variant Classification Scheme 2023. Collection method: clinical testing. Allele origin: germline.

GeneDx
Classification: Uncertain significance. Last evaluated: 2024-03-18. Review status: criteria provided, single submitter. Criteria: GeneDx Variant Classification Process June 2021. Collection method: clinical testing. Allele origin: germline. Affected: yes.
Comment: Has not been previously published as pathogenic or benign to our knowledge; Not observed at significant frequency in large population cohorts (gnomAD); In silico analysis supports that this missense variant does not alter protein structure/function

NM_001953.5(TYMP):c.61G>C (p.Glu21Gln)

Gene: TYMP (thymidine phosphorylase; minus strand). Cytogenetic location: 22q13.33.
Variant type: single nucleotide variant.
Coding change: c.61G>C on transcript NM_001953.5 (MANE Select); coding-DNA position 61, G replaced by C.
Protein change: p.Glu21Gln; replaces glutamic acid 21 with glutamine.
Molecular consequence: missense variant.
Genome position (GRCh38, 1-based): chr22:50,529,649, C>G on the plus strand (G>C on the coding strand, the complement: TYMP is on the minus strand). VCF-style: chr22-50529649-C-G. GRCh37 (hg19) VCF-style: chr22-50968078-C-G.
Other names: c.61G>C, p.Glu21Gln (NM_001113755.3, NM_001113756.3, NM_001257988.1 and 1 more transcripts); short protein forms E21Q.
Identifiers: ClinVar variation 3370971 (VCV003370971.2).